The following is an entry in ClinVar:

NM_007294.4(BRCA1):c.5026T>C (p.Leu1676=)

Gene: BRCA1 (BRCA1 DNA repair associated; minus strand). Cytogenetic location: 17q21.31.
Variant type: single nucleotide variant.
Coding change: c.5026T>C on transcript NM_007294.4 (MANE Select); coding-DNA position 5026, T replaced by C.
Protein change: p.Leu1676=; no amino-acid change (leucine 1676 retained).
Molecular consequence: synonymous variant. On other transcripts: intron variant (1).
Genome position (GRCh38, 1-based): chr17:43,067,656, A>G on the plus strand (T>C on the coding strand, the complement: BRCA1 is on the minus strand). VCF-style: chr17-43067656-A-G. GRCh37 (hg19) VCF-style: chr17-41219673-A-G.
Other names: c.4813T>C, p.Leu1605= (NM_001407571.1, NM_001407894.1, NM_001407895.1 and 12 more transcripts); c.5092T>C, p.Leu1698= (NM_001407581.1, NM_001407582.1); c.5089T>C, p.Leu1697= (NM_001407583.1, NM_001407585.1, NM_001407587.1 and 1 more transcripts); c.5086T>C, p.Leu1696= (NM_001407590.1, NM_001407591.1); c.5026T>C, p.Leu1676= (NM_001407593.1, NM_001407594.1, NM_001407596.1 and 8 more transcripts); c.5023T>C, p.Leu1675= (NM_001407610.1, NM_001407611.1, NM_001407612.1 and 17 more transcripts); c.5020T>C, p.Leu1674= (NM_001407627.1, NM_001407628.1, NM_001407629.1 and 14 more transcripts); c.5017T>C, p.Leu1673= (NM_001407644.1, NM_001407645.1); and 71 more.
Identifiers: ClinVar variation 628097 (VCV000628097.5), dbSNP rs1567772244, ClinGen allele CA500146366.
Genomic context (GRCh38, chr17:43,067,656, plus strand): 5'-TTCTTGGTATACCTGTTTTCATAACAACATGAGTAGTCTCTTCAGTAATTAGATTAGTTA[A>G]AGTGATGTGGTGTTTTCTGGCAAACTTGTACACGAGCATCTGAAATTAAATCAAATATTC-3'
Protein context (NP_009225.1, residues 1666-1686): YKFARKHHIT[Leu1676=]TNLITEETTH

ClinVar aggregate classification (germline): Likely benign (1 of 4 stars; one submission).

Conditions:
Hereditary cancer-predisposing syndrome. Also called: Hereditary neoplastic syndrome; Tumor predisposition; Hereditary Cancer Syndrome; Neoplastic Syndromes, Hereditary. Identifiers: Orphanet 140162, MedGen C0027672, MeSH D009386, MONDO:0015356.

Submissions (2):

Color Diagnostics, LLC DBA Color Health
Classification: Likely benign for Hereditary cancer-predisposing syndrome. Last evaluated: 2018-03-30. Review status: criteria provided, single submitter. Criteria: ACMG Guidelines, 2015. Collection method: clinical testing. Allele origin: germline.

Brotman Baty Institute, University of Washington
No classification provided (evidence only). Condition: Breast-ovarian cancer, familial 1. Review status: no classification provided. Collection method: in vitro. Allele origin: not applicable. Functional consequence: functionally_normal. Not counted in ClinVar's aggregate classification.
ClinVar note: "not provided" was previously submitted as the classification for the variant. However, the classification appeared to be based only on an observation of functional data so it was converted to no classification on 2025-07-30.